The following is an entry in ClinVar:

ClinVar aggregate classification (germline): Conflicting classifications of pathogenicity. Review status: criteria provided, conflicting classifications (1 of 4 stars). 8 submissions from 7 submitters: Uncertain significance (1); Benign (2); Likely benign (4). 1 of the submissions does not count toward it. Last evaluated 2025-11-03.

Conditions:
Stickler syndrome type 1 (STL1). Also called: ARTHROOPHTHALMOPATHY, HEREDITARY PROGRESSIVE; STICKLER SYNDROME, MEMBRANOUS VITREOUS TYPE; STICKLER SYNDROME, VITREOUS TYPE 1; COL2A1-Related Stickler Syndrome. Identifiers: Orphanet 828, Orphanet 90653, MedGen C2020284, MONDO:0007160, OMIM 108300.
COL2A1-related disorder. Also called: COL2A1-related condition; COL2A1-related disorders.
Type 2 collagenopathy. Identifiers: Orphanet 93421, MedGen C2931073, MONDO:0022800.

Allele frequency attached by ClinVar (database versions not stated): ESP Exome Variant Server 0.00008; TOPMed 0.00011; gnomAD 0.00014 and 0.00019; gnomAD exomes 0.00021 and 0.00028; ExAC 0.00029; 1000 Genomes Project 0.00060; 1000 Genomes Project 30x 0.00062.

Submissions (8):

Labcorp Genetics (formerly Invitae), Labcorp
Classification: Likely benign. Last evaluated: 2025-11-03. Review status: criteria provided, single submitter. Criteria: Invitae Variant Classification Sherloc (09022015). Collection method: clinical testing. Allele origin: germline.

Blueprint Genetics
Classification: Likely benign. Last evaluated: 2024-06-19. Review status: criteria provided, single submitter. Criteria: ACMG Guidelines, 2015. Collection method: clinical testing. Allele origin: germline.

CeGaT Center for Human Genetics Tuebingen
Classification: Likely benign. Last evaluated: 2023-08-01. Review status: criteria provided, single submitter. Criteria: CeGaT Center For Human Genetics Tuebingen Variant Classification Criteria Version 2. Collection method: clinical testing. Allele origin: germline. Affected: yes. Observed: 2 variant alleles.
Comment: COL2A1: BP4, BP7, BS1

GeneDx
Classification: Likely benign. Last evaluated: 2021-07-20. Review status: criteria provided, single submitter. Criteria: GeneDx Variant Classification Process June 2021. Collection method: clinical testing. Allele origin: germline. Affected: yes.

ARUP Laboratories, Molecular Genetics and Genomics, ARUP Laboratories
Classification: Benign. Last evaluated: 2018-05-14. Review status: criteria provided, single submitter. Criteria: ARUP Molecular Germline Variant Investigation Process. Collection method: clinical testing. Allele origin: germline.

Illumina Laboratory Services, Illumina
Classification: Benign for Type II Collagenopathies. Last evaluated: 2018-01-12. Review status: criteria provided, single submitter. Criteria: ICSL Variant Classification Criteria 13 December 2019. Collection method: clinical testing. Allele origin: germline.
Comment: This variant was observed in the ICSL laboratory as part of a predisposition screen in an ostensibly healthy population. It had not been previously curated by ICSL or reported in the Human Gene Mutation Database (HGMD: prior to June 1st, 2018), and was therefore a candidate for classification through an automated scoring system. Utilizing variant allele frequency, disease prevalence and penetrance estimates, and inheritance mode, an automated score was calculated to assess if this variant is too frequent to cause the disease. Based on the score and internal cut-off values, a variant classified as benign is not then subjected to further curation. The score for this variant resulted in a classification of benign for this disease.

Illumina Laboratory Services, Illumina
Classification: Uncertain significance for Stickler syndrome type 1. Last evaluated: 2018-01-12. Review status: criteria provided, single submitter. Criteria: ICSL Variant Classification Criteria 13 December 2019. Collection method: clinical testing. Allele origin: germline.

PreventionGenetics, part of Exact Sciences
Classification: Likely benign for COL2A1-related condition. Last evaluated: 2019-10-15. Review status: no assertion criteria provided. Collection method: clinical testing. Allele origin: germline. Not counted in ClinVar's aggregate classification.
Comment: This variant is classified as likely benign based on ACMG/AMP sequence variant interpretation guidelines (Richards et al. 2015 PMID: 25741868, with internal and published modifications).

NM_001844.5(COL2A1):c.246C>T (p.Phe82=)

Gene: COL2A1 (collagen type II alpha 1 chain; minus strand). Cytogenetic location: 12q13.11.
Variant type: single nucleotide variant.
Coding change: c.246C>T on transcript NM_001844.5 (MANE Select); coding-DNA position 246, C replaced by T.
Protein change: p.Phe82=; no amino-acid change (phenylalanine 82 retained).
Molecular consequence: synonymous variant. On other transcripts: intron variant (1).
Genome position (GRCh38, 1-based): chr12:47,999,965, G>A on the plus strand (C>T on the coding strand, the complement: COL2A1 is on the minus strand). VCF-style: chr12-47999965-G-A. GRCh37 (hg19) VCF-style: chr12-48393748-G-A.
Other names: c.86-1534C>T (NM_033150.3).
Identifiers: ClinVar variation 308936 (VCV000308936.47), dbSNP rs142161948, ClinGen allele CA6536069.
Genomic context (GRCh38, chr12:47,999,965, plus strand): 5'-AAATAAATTACAACCACTGGCAGTGGCGAGGTCAGTTGGGCAGATGGGGCAGCACTCTCC[G>A]AAGGGGATCTCAGGGCTGAGGCAGTCTTTCACGTCTTCACAGATTATGTCGTCGCAGAGG-3'
Protein context (NP_001835.3, residues 72-92): VKDCLSPEIP[Phe82=]GECCPICPTD